The following is an entry in ClinVar:

NM_001366385.1(CARD14):c.1998G>A (p.Gln666=)

Genes: CARD14 (caspase recruitment domain family member 14; plus strand), SGSH (N-sulfoglucosamine sulfohydrolase; minus strand). Cytogenetic location: 17q25.3.
Variant type: single nucleotide variant.
Coding change: c.1998G>A on transcript NM_001366385.1 (MANE Select); coding-DNA position 1998, G replaced by A.
Protein change: p.Gln666=; no amino-acid change (glutamine 666 retained).
Molecular consequence: synonymous variant. On other transcripts: non-coding transcript variant (1).
Genome position (GRCh38, 1-based): chr17:80,202,199, G>A. VCF-style: chr17-80202199-G-A. GRCh37 (hg19) VCF-style: chr17-78175998-G-A.
Other names: c.1998G>A, p.Gln666= (NM_001257970.1, NM_024110.4).
Identifiers: ClinVar variation 1169217 (VCV001169217.11), dbSNP rs142087113, ClinGen allele CA8817160.

ClinVar aggregate classification (germline): Benign. Review status: criteria provided, single submitter (1 of 4 stars). 2 submissions from 2 submitters: Benign (1). 1 of the submissions does not count toward it. Last evaluated 2025-12-15.

Conditions:
Pityriasis rubra pilaris (PRP). Also called: Pityriasis rubra pilaris--familial type. Identifiers: Orphanet 2897, MedGen C0032027, MONDO:0100017, OMIM 173200, MONDO:0008251.
Psoriasis 2. Identifiers: MedGen C1864497, MONDO:0011269, OMIM 602723.
CARD14-related disorder. Also called: CARD14-related condition.

Allele frequency attached by ClinVar (database versions not stated): gnomAD 0.00002; TOPMed 0.00007; ESP Exome Variant Server 0.00008; gnomAD exomes 0.00008 and 0.00021; ExAC 0.00015.
gnomAD v4.1: 115 of 1,613,776 alleles (0.0071%); highest among the groups gnomAD compares: Admixed American, 0.092%; 1 homozygote.

Submissions (2):

Labcorp Genetics (formerly Invitae), Labcorp
Classification: Benign for Pityriasis rubra pilaris; Psoriasis 2. Last evaluated: 2025-12-15. Review status: criteria provided, single submitter. Criteria: Invitae Variant Classification Sherloc (09022015). Collection method: clinical testing. Allele origin: germline.

PreventionGenetics, part of Exact Sciences
Classification: Likely benign for CARD14-related condition. Last evaluated: 2022-03-02. Review status: no assertion criteria provided. Collection method: clinical testing. Allele origin: germline. Not counted in ClinVar's aggregate classification.
Comment: This variant is classified as likely benign based on ACMG/AMP sequence variant interpretation guidelines (Richards et al. 2015 PMID: 25741868, with internal and published modifications).